The following is an entry in ClinVar:

ClinVar aggregate classification (germline): Pathogenic/Likely pathogenic. Review status: criteria provided, multiple submitters, no conflicts (2 of 4 stars). 3 submissions from 3 submitters: Pathogenic (2); Likely pathogenic (1). Last evaluated 2024-02-08.

Conditions:
Familial cancer of breast. Also called: hereditary breast carcinoma; BREAST CANCER, FAMILIAL; Hereditary breast cancer. Identifiers: Orphanet 227535, MedGen C0346153, MONDO:0016419, OMIM 114480. Disease mechanism: loss of function.
Fanconi anemia complementation group J. Also called: BRIP1-Related Fanconi Anemia. Identifiers: Orphanet 84, MedGen C1836860, MONDO:0012187, OMIM 609054.
Hereditary cancer-predisposing syndrome. Also called: Hereditary Cancer Syndrome; Hereditary neoplastic syndrome; Tumor predisposition; Neoplastic Syndromes, Hereditary. Identifiers: Orphanet 140162, MedGen C0027672, MeSH D009386, MONDO:0015356.

Allele frequency attached by ClinVar (database versions not stated): gnomAD exomes below 0.00001.
gnomAD v4.1: 2 of 1,611,500 alleles (0.00012%); highest among the groups gnomAD compares: Non-Finnish European, 0.00017%; no homozygotes.

Submissions (3):

Ambry Genetics
Classification: Likely pathogenic for Hereditary cancer-predisposing syndrome. Last evaluated: 2024-02-08. Review status: criteria provided, single submitter. Criteria: Ambry Variant Classification Scheme 2023. Collection method: clinical testing. Allele origin: germline.
Comment: The p.W5* variant (also known as c.15G>A), located in coding exon 1 of the BRIP1 gene, results from a G to A substitution at nucleotide position 15. This changes the amino acid from a tryptophan to a stop codon within coding exon 1. The predicted stop codon occurs in the 5&rsquo; end of theBRIP1 gene. Premature termination codons in the 5&rsquo; end of a gene have been reported to escape nonsense-mediated mRNAdecay and/or lead to re-initiation (Rivas et al. Science. 2015 May 8;348(6235):666-9; Lindeboom et al. Nat Genet. 2016 Oct;48(10):1112-8; Rhee et al. Sci Rep. 2017 May 10;7(1):1653). Direct evidence for this alteration is unavailable, however premature termination codons are typically deleterious in nature. This variant is considered to be rare based on population cohorts in the Genome Aggregation Database (gnomAD). Based on the majority of available evidence to date, this variant is likely to be pathogenic.

Labcorp Genetics (formerly Invitae), Labcorp
Classification: Pathogenic for Familial cancer of breast; Fanconi anemia complementation group J. Last evaluated: 2023-12-21. Review status: criteria provided, single submitter. Criteria: Invitae Variant Classification Sherloc (09022015). Collection method: clinical testing. Allele origin: germline.
Comment: This sequence change creates a premature translational stop signal (p.Trp5*) in the BRIP1 gene. It is expected to result in an absent or disrupted protein product. Loss-of-function variants in BRIP1 are known to be pathogenic (PMID: 16116423, 17033622, 21964575). This variant is not present in population databases (gnomAD no frequency). This variant has not been reported in the literature in individuals affected with BRIP1-related conditions. ClinVar contains an entry for this variant (Variation ID: 1456483). For these reasons, this variant has been classified as Pathogenic.

Myriad Genetics, Inc.
Classification: Pathogenic for Familial cancer of breast. Last evaluated: 2023-05-30. Review status: criteria provided, single submitter. Criteria: Myriad Autosomal Dominant, Autosomal Recessive and X-Linked Classification Criteria (2023). Collection method: clinical testing. Allele origin: unknown.
Comment: This variant is considered pathogenic. This variant creates a termination codon and is predicted to result in premature protein truncation.

Literature cited by the submitters: PubMed 16116423 (cited by Labcorp Genetics (formerly Invitae), Labcorp); PubMed 17033622 (cited by Labcorp Genetics (formerly Invitae), Labcorp); PubMed 21964575 (cited by Labcorp Genetics (formerly Invitae), Labcorp).

NM_032043.3(BRIP1):c.15G>A (p.Trp5Ter)

Gene: BRIP1 (BRCA1 interacting DNA helicase 1; minus strand). Cytogenetic location: 17q23.2.
Variant type: single nucleotide variant.
Coding change: c.15G>A on transcript NM_032043.3 (MANE Select); coding-DNA position 15, G replaced by A.
Protein change: p.Trp5Ter; replaces tryptophan 5 with a stop codon.
Molecular consequence: nonsense.
Genome position (GRCh38, 1-based): chr17:61,861,525, C>T on the plus strand (G>A on the coding strand, the complement: BRIP1 is on the minus strand). VCF-style: chr17-61861525-C-T. GRCh37 (hg19) VCF-style: chr17-59938886-C-T.
Other names: c.15G>A (NM_032043.2); short protein forms W5*.
Identifiers: ClinVar variation 1456483 (VCV001456483.9), dbSNP rs2078973424, ClinGen allele CA400486071.